The following is an entry in ClinVar:

ClinVar aggregate classification (germline): Conflicting classifications of pathogenicity. Review status: criteria provided, conflicting classifications (1 of 4 stars). 9 submissions from 9 submitters: Uncertain significance (2); Benign (1); Likely benign (6). Last evaluated 2026-06-01.

Conditions:
Joubert syndrome 14 (JBTS14). Identifiers: MedGen C3280766, MONDO:0013745, OMIM 614424.

Allele frequency attached by ClinVar (database versions not stated): TOPMed 0.00080; ESP Exome Variant Server 0.00101; gnomAD 0.00111 and 0.00129; gnomAD exomes 0.00142 and 0.00165; 1000 Genomes Project 30x 0.00172; 1000 Genomes Project 0.00200; ExAC 0.00225.
gnomAD v4.1: 2,259 of 1,610,918 alleles (0.14%); highest among the groups gnomAD compares: South Asian, 0.48%; 12 homozygotes.

Submissions (9):

CeGaT Center for Human Genetics Tuebingen
Classification: Likely benign. Last evaluated: 2026-06-01. Review status: criteria provided, single submitter. Criteria: CeGaT Center For Human Genetics Tuebingen Variant Classification Criteria Version 2. Collection method: clinical testing. Allele origin: germline. Affected: yes. Observed: 5 variant alleles.
Comment: TMEM237: BP4, BP7

Labcorp Genetics (formerly Invitae), Labcorp
Classification: Benign for Joubert syndrome 14. Last evaluated: 2026-01-31. Review status: criteria provided, single submitter. Criteria: Invitae Variant Classification Sherloc (09022015). Collection method: clinical testing. Allele origin: germline.

Blueprint Genetics
Classification: Likely benign. Last evaluated: 2024-11-06. Review status: criteria provided, single submitter. Criteria: ACMG Guidelines, 2015. Collection method: clinical testing. Allele origin: germline.

GeneDx
Classification: Likely benign. Last evaluated: 2019-01-04. Review status: criteria provided, single submitter. Criteria: GeneDx Variant Classification Process June 2021. Collection method: clinical testing. Allele origin: germline. Affected: yes.

Illumina Laboratory Services, Illumina
Classification: Likely benign for Joubert syndrome 14. Last evaluated: 2018-01-13. Review status: criteria provided, single submitter. Criteria: ICSL Variant Classification Criteria 13 December 2019. Collection method: clinical testing. Allele origin: germline.
Comment: This variant was observed in the ICSL laboratory as part of a predisposition screen in an ostensibly healthy population. It had not been previously curated by ICSL or reported in the Human Gene Mutation Database (HGMD: prior to June 1st, 2018), and was therefore a candidate for classification through an automated scoring system. Utilizing variant allele frequency, disease prevalence and penetrance estimates, and inheritance mode, an automated score was calculated to assess if this variant is too frequent to cause the disease. Based on the score and internal cut-off values, a variant classified as likely benign is not then subjected to further curation. The score for this variant resulted in a classification of likely benign for this disease.

Genomic Research Center, Shahid Beheshti University of Medical Sciences
Classification: Uncertain significance for Joubert syndrome 14. Last evaluated: 2017-12-18. Review status: criteria provided, single submitter. Criteria: ACMG Guidelines, 2015. Collection method: clinical testing. Allele origin: inherited. Affected: yes.

Eurofins Ntd Llc (ga)
Classification: Likely benign. Last evaluated: 2015-06-25. Review status: criteria provided, single submitter. Criteria: EGL Classification Definitions 2015. Collection method: clinical testing. Allele origin: germline. Observed: 1 variant allele, 1 heterozygote.

Genetic Services Laboratory, University of Chicago
Classification: Uncertain significance. Last evaluated: 2014-06-27. Review status: criteria provided, single submitter. Criteria: ACMG Guidelines, 2015. Collection method: clinical testing. Allele origin: germline.

PreventionGenetics, part of Exact Sciences
Classification: Likely benign. Review status: criteria provided, single submitter. Criteria: ACMG Guidelines, 2015. Collection method: clinical testing. Allele origin: germline.

NM_001044385.3(TMEM237):c.1065C>G (p.Leu355=)

Gene: TMEM237 (transmembrane protein 237; minus strand). Cytogenetic location: 2q33.1.
Variant type: single nucleotide variant.
Coding change: c.1065C>G on transcript NM_001044385.3 (MANE Select); coding-DNA position 1065, C replaced by G.
Protein change: p.Leu355=; no amino-acid change (leucine 355 retained).
Molecular consequence: synonymous variant.
Genome position (GRCh38, 1-based): chr2:201,626,120, G>C on the plus strand (C>G on the coding strand, the complement: TMEM237 is on the minus strand). VCF-style: chr2-201626120-G-C. GRCh37 (hg19) VCF-style: chr2-202490843-G-C.
Other names: c.1041C>G, p.Leu347= (NM_152388.4).
Identifiers: ClinVar variation 212405 (VCV000212405.56), dbSNP rs149240122, ClinGen allele CA209023.